The following is an entry in ClinVar:

ClinVar aggregate classification (germline): Uncertain significance (1 of 4 stars; one submission).

Submission:

GeneDx
Classification: Uncertain significance. Last evaluated: 2023-11-22. Review status: criteria provided, single submitter. Criteria: GeneDx Variant Classification Process June 2021. Collection method: clinical testing. Allele origin: germline. Affected: yes.
Comment: Not observed at significant frequency in large population cohorts (gnomAD); In silico analysis supports that this missense variant has a deleterious effect on protein structure/function; Has not been previously published as pathogenic or benign to our knowledge

NM_006662.3(SRCAP):c.1981G>C (p.Ala661Pro)

Gene: SRCAP (Snf2 related CREBBP activator protein; plus strand). Cytogenetic location: 16p11.2.
Variant type: single nucleotide variant.
Coding change: c.1981G>C on transcript NM_006662.3 (MANE Select); coding-DNA position 1981, G replaced by C.
Protein change: p.Ala661Pro; replaces alanine 661 with proline.
Molecular consequence: missense variant.
Genome position (GRCh38, 1-based): chr16:30,712,427, G>C. VCF-style: chr16-30712427-G-C. GRCh37 (hg19) VCF-style: chr16-30723748-G-C.
Other names: short protein forms A661P.
Identifiers: ClinVar variation 3364816 (VCV003364816.1).